The following is an entry in ClinVar:

NM_006907.4(PYCR1):c.635G>A (p.Gly212Glu)

Gene: PYCR1 (pyrroline-5-carboxylate reductase 1; minus strand). Cytogenetic location: 17q25.3.
Variant type: single nucleotide variant.
Coding change: c.635G>A on transcript NM_006907.4 (MANE Select); coding-DNA position 635, G replaced by A.
Protein change: p.Gly212Glu; replaces glycine 212 with glutamic acid.
Molecular consequence: missense variant. On other transcripts: intron variant (1).
Genome position (GRCh38, 1-based): chr17:81,934,488, C>T on the plus strand (G>A on the coding strand, the complement: PYCR1 is on the minus strand). VCF-style: chr17-81934488-C-T. GRCh37 (hg19) VCF-style: chr17-79892364-C-T.
Other names: c.542G>A, p.Gly181Glu (NM_001282279.2); c.635G>A, p.Gly212Glu (NM_001282280.2, NM_153824.3); c.716G>A, p.Gly239Glu (NM_001282281.2); c.633+165G>A (NM_001330523.2); short protein forms G181E, G212E, G239E.
Identifiers: ClinVar variation 808336 (VCV000808336.43), dbSNP rs1194906519, ClinGen allele CA401537268.

ClinVar aggregate classification (germline): Uncertain significance. Review status: criteria provided, multiple submitters, no conflicts (2 of 4 stars). 2 submissions from 2 submitters: Uncertain significance (2). Last evaluated 2021-11-04.

Allele frequency attached by ClinVar (database versions not stated): gnomAD exomes 0.00001.
gnomAD v4.1: 3 of 1,599,894 alleles (0.00019%); highest among the groups gnomAD compares: Middle Eastern, 0.017%; no homozygotes.

Submissions (2):

Women's Health and Genetics/Laboratory Corporation of America, LabCorp
Classification: Uncertain significance. Last evaluated: 2021-11-04. Review status: criteria provided, single submitter. Criteria: LabCorp Variant Classification Summary - May 2015. Collection method: clinical testing. Allele origin: germline.
Comment: Variant summary: PYCR1 c.635G>A (p.Gly212Glu) results in a non-conservative amino acid change located in the Pyrroline-5-carboxylate reductase, dimerisation domain (IPR029036) of the encoded protein sequence. Five of five in-silico tools predict a damaging effect of the variant on protein function. The variant was absent in 221460 control chromosomes. c.635G>A has been reported in the literature as a homozygous genotype in at-least one individual affected with Cutis Laxa - PYCR1 Related who underwent whole exome and/or whole genome sequencing (example, Hao_2019). These data indicate that the variant may be associated with disease. To our knowledge, no experimental evidence demonstrating an impact on protein function has been reported. One clinical diagnostic laboratory has submitted clinical-significance assessments for this variant to ClinVar after 2014 without evidence for independent evaluation and classified the variant as uncertain significance. Based on the evidence outlined above, the variant was classified as VUS-possibly pathogenic.

CeGaT Center for Human Genetics Tuebingen
Classification: Uncertain significance. Last evaluated: 2018-05-01. Review status: criteria provided, single submitter. Criteria: CeGaT Center For Human Genetics Tuebingen Variant Classification Criteria Version 2. Collection method: clinical testing. Allele origin: germline. Affected: yes. Observed: 1 variant allele.

Literature cited by the submitters: PubMed 29302074 (cited by Women's Health and Genetics/Laboratory Corporation of America, LabCorp).